The following continues an entry in ClinVar:

NM_000298.6(PKLR):c.1529G>A (p.Arg510Gln)

Gene: PKLR. ClinVar aggregate classification (germline): Pathogenic. Pathogenic (22).

Submissions 8 to 21 of 25:

ARUP Laboratories, Molecular Genetics and Genomics, ARUP Laboratories
Classification: Pathogenic. Last evaluated: 2025-07-24. Review status: criteria provided, single submitter. Criteria: ARUP Molecular Germline Variant Investigation Process 2024. Collection method: clinical testing. Allele origin: germline.
Comment: The PKLR c.1529G>A; p.Arg510Gln variant (rs113403872, ClinVar Variation ID: 1511) is reported in both the homozygous and compound heterozygous state in multiple individuals affected with pyruvate kinase (PK) deficiency and is considered to be the most common cause of PK deficiency in European populations (Baronciani 1993, Baronciani 1995, Bianchi 2020, Christensen 2016, Durand 2008, Hou 2020, Jensen 2020, Lenzner 1997, Maciak 2020, Maciak 2024, Russo 2018, van Solinge 1997, van Wijk 2003). This variant is found in the general population with an overall allele frequency of 0.04% (108/282,852 alleles) in the Genome Aggregation Database (v2.1.1). Functional analyses of the variant protein show decreased thermostability, accelerated intracellular proteolytic degradation, and increased susceptibility to ATP inhibition (Lenzner 1997, Wang 2001). Computational analyses predict that this variant is deleterious (REVEL: 0.947). Based on available information, this variant is considered to be pathogenic. References: Baronciani L et al. Analysis of pyruvate kinase-deficiency mutations that produce nonspherocytic hemolytic anemia. Proc Natl Acad Sci U S A. 1993 May 1. PMID: 8483951. Baronciani L et al. Molecular study of pyruvate kinase deficient patients with hereditary nonspherocytic hemolytic anemia. J Clin Invest. 1995 Apr. PMID: 7706479. Bianchi P et al. Genotype-phenotype correlation and molecular heterogeneity in pyruvate kinase deficiency. Am J Hematol. 2020 May. PMID: 32043619. Christensen RD et al. Siblings with severe pyruvate kinase deficiency and a complex genotype. Am J Med Genet A. 2016 Sep. PMID: 27354418. Durand PM et al. Pyruvate kinase deficiency in a South African kindred caused by a 1529A mutation in the PK-LR gene. S Afr Med J. 2008 Jun. PMID: 18683378. Hou YC et al. Precision medicine integrating whole-genome sequencing, comprehensive metabolomics, and advanced imaging. Proc Natl Acad Sci U S A. 2020 Feb 11. PMID: 31980526. Jensen RFG et al. Erythrocytapheresis as a novel treatment option for adult patients with pyruvate kinase deficiency. Haematologica. 2020 Jul. PMID: 32273473. Lenzner C et al. Molecular analysis of 29 pyruvate kinase-deficient patients from central Europe with hereditary hemolytic anemia. Blood. 1997 Mar 1. PMID: 9057665. Maciak K et al. A Family Affected by a Life-Threatening Erythrocyte Defect Caused by Pyruvate Kinase Deficiency With Normal Iron Status: A Case Report. Front Genet. 2020 PMID: 33193643. Maciak K et al. PKLR mutations in pyruvate kinase deficient Polish patients: Functional characteristics of c.101-1G > A and c.1058delAAG variants. Blood Cells Mol Dis. 2024 Jul;107:102841. PMID: 38581917. Russo R et al. Multi-gene panel testing improves diagnosis and management of patients with hereditary anemias. Am J Hematol. 2018 May. PMID: 29396846. van Solinge WW et al. Molecular modelling of human red blood cell pyruvate kinase: structural implications of a novel G1091 to a mutation causing severe nonspherocytic hemolytic anemia. Blood. 1997 Dec 15. PMID: 9389718. van Wijk R et al. Disruption of a novel regulatory element in the erythroid-specific promoter of the human PKLR gene causes severe pyruvate kinase deficiency. Blood. 2003 Feb 15. PMID: 12393511. Wang C et al. Human erythrocyte pyruvate kinase: characterization of the recombinant enzyme and a mutant form (R510Q) causing nonspherocytic hemolytic anemia. Blood. 2001 Nov 15. PMID: 11698298.

Variantyx, Inc.
Classification: Pathogenic for Pyruvate kinase deficiency of red cells. Last evaluated: 2025-05-30. Review status: criteria provided, single submitter. Criteria: Variantyx Assertion Criteria 2022. Collection method: clinical testing. Allele origin: germline. Inheritance: Autosomal recessive inheritance. Affected: no.
Comment: This is a nonsynonymous variant in the PKLR gene (OMIM: 609712). Pathogenic variants in this gene have been associated with autosomal recessive pyruvate kinase deficiency. This variant has been reported in the homozygous or compound heterozygous state in many unrelated affected individuals (PMID: 32273473, 8483951, 27354418, 29396846) (PM3_Very_Strong). Functional studies have shown that this variant alters PKLR protein function (PMID: 11698298) (PS3_Supporting), and multiple computational algorithms predict a deleterious effect for this variant (REVEL score: 0.947) (PP3_Moderate). Moreover, an alternate amino acid change at this position (p.Arg510Ter) has been previously reported in affected individuals (PMIDs: 29309376, 29349879, 29396846) (PM5). This variant has a 0.1014% maximum allele frequency in non-founder control populations. Based on the current evidence, this variant is classified as pathogenic for autosomal recessive pyruvate kinase deficiency.

Center for Genomic Medicine, Rigshospitalet, Copenhagen University Hospital
Classification: Pathogenic. Last evaluated: 2025-03-04. Review status: criteria provided, single submitter. Criteria: ACMG Guidelines, 2015. Collection method: clinical testing. Allele origin: germline.

Mayo Clinic Laboratories, Mayo Clinic
Classification: Pathogenic. Last evaluated: 2025-01-28. Review status: criteria provided, single submitter. Criteria: ACMG Guidelines, 2015. Collection method: clinical testing. Allele origin: germline. Observed: 14 variant alleles.
Comment: PP1, PP3, PM3, PS3, PS4_moderate

Revvity Omics, Revvity
Classification: Pathogenic. Last evaluated: 2025-01-16. Review status: criteria provided, single submitter. Criteria: ACMG Guidelines, 2015. Collection method: clinical testing. Allele origin: germline.

Blueprint Genetics
Classification: Pathogenic for PKLR-related disorders. Last evaluated: 2024-11-18. Review status: criteria provided, single submitter. Criteria: ACMG Guidelines, 2015. Collection method: clinical testing. Allele origin: germline. Affected: yes. Observed: 5 variant alleles.

Genomic Medicine Center of Excellence, King Faisal Specialist Hospital and Research Centre
Classification: Pathogenic for Pyruvate kinase deficiency of red cells. Last evaluated: 2024-03-26. Review status: criteria provided, single submitter. Criteria: ACMG Guidelines, 2015. Collection method: clinical testing. Allele origin: germline.

GeneDx
Classification: Pathogenic. Last evaluated: 2022-09-29. Review status: criteria provided, single submitter. Criteria: GeneDx Variant Classification Process June 2021. Collection method: clinical testing. Allele origin: germline. Affected: yes.
Comment: Published functional studies demonstrate the R510Q protein has decreased stability toward heat and is more susceptible to ATP inhibition, leading to enzyme instability and decreased enzyme levels in the cell (Wang et al., 2001); In silico analysis, which includes protein predictors and evolutionary conservation, supports a deleterious effect; This variant is associated with the following publications: (PMID: 29610156, 27432187, 27354418, 34662886, 11698298, 18683378, 8483951, 9057665, 29396846, 28760888, 31980526, 32273473, 33193643, 31589614, 33631127)

Clinical Genetics Laboratory, Skane University Hospital Lund
Classification: Pathogenic. Last evaluated: 2022-07-13. Review status: criteria provided, single submitter. Criteria: ACMG Guidelines, 2015. Collection method: clinical testing. Allele origin: germline. Affected: yes.

Rady Children's Institute for Genomic Medicine, Rady Children's Hospital San Diego
Classification: Pathogenic for Pyruvate kinase deficiency. Last evaluated: 2020-05-15. Review status: criteria provided, single submitter. Criteria: ACMG Guidelines, 2015. Collection method: clinical testing. Allele origin: germline. Affected: yes.
Comment: This variant has been previously reported as a compound heterozygous and a homozygous change in patients with (PMID: 8483951, 29396846). Functional studies on blood samples from individuals carrying this variant in the compound heterozygous and homozygous state demonstrate reduced pyruvate kinase activity (PMID: 8483951). In vitro studies of the mutant protein reveal that it is unstable and susceptible to ATP inhibition (PMID: 11698298). It is present in the heterozygous state in the gnomAD population database at a frequency of 0.038% (108/282852) and thus is presumed to be rare. The c.1529G>A (p.Arg510Gln) variant affects a highly conserved amino acid and is predicted by multiple in silico tools to have a deleterious effect on protein function. Based on the available evidence, the c.1529G>A (p.Arg510Gln) variant is classified as Pathogenic.

Cambridge Genomics Laboratory, East Genomic Laboratory Hub, NHS Genomic Medicine Service
Classification: Pathogenic for Congenital anemia. Last evaluated: 2019-06-28. Review status: criteria provided, single submitter. Criteria: ACGS Best Practice Guidelines for Variant Classification in Rare Disease 2020. Collection method: clinical testing. Allele origin: germline. Affected: yes. Observed: 1 variant allele.

Eurofins Ntd Llc (ga)
Classification: Pathogenic. Last evaluated: 2018-09-06. Review status: criteria provided, single submitter. Criteria: EGL ClinVar v180209 classification definitions. Collection method: clinical testing. Allele origin: germline. Observed: 1 variant allele, 1 heterozygote.

Illumina Laboratory Services, Illumina
Classification: Pathogenic for Pyruvate Kinase Deficiency. Last evaluated: 2016-06-14. Review status: criteria provided, single submitter. Criteria: ICSL Variant Classification 20161018. Collection method: clinical testing. Allele origin: germline.
Comment: The c.1529G>A (p.Arg510Gln) variant has been described as the most common pyruvate kinase (PK) deficiency variant in the European population. Across a selection of the available literature, the p.Arg510Gln variant has been identified in at least 43 patients in a homozygous state, 21 patients in a compound heterozygous state, and one patient in a heterozygous state (Baronciani et al. 1993; Baronciani et al. 1995; Lenzner et al. 1997; van Solinge et al. 1997; van Wijk et al. 2003; Rider et al. 2011). Heterozygous parents of the patients, though not affected, were shown to have decreased levels of pyruvate kinase activity (van Solinge et al. 1997). The p.Arg510Gln variant was absent from 150 controls but is reported at a frequency of 0.00093 in the European American population of the Exome Sequencing Project. Functional studies demonstrated that the variant has decreased thermostability, accelerated intracellular proteolytic degradation, and is more susceptible to ATP inhibition (Lenzner et al 1997; Wang et al. 2001). Based on the collective evidence, the p.Arg510Gln variant is classified as pathogenic for pyruvate kinase deficiency.

Center for Pediatric Genomic Medicine, Children's Mercy Hospital and Clinics
Classification: Pathogenic. Last evaluated: 2014-06-25. Review status: criteria provided, single submitter. Criteria: ACMG Guidelines, 2015. Collection method: clinical testing. Allele origin: germline.